The following is an entry in ClinVar:

ClinVar aggregate classification (germline): Likely pathogenic (1 of 4 stars; one submission).

Conditions:
Megaconial type congenital muscular dystrophy (MDCMC). Also called: CHKB-Related Muscle Diseases; MUSCULAR DYSTROPHY, CONGENITAL, WITH MITOCHONDRIAL STRUCTURAL ABNORMALITIES; CHKB-Related Muscular Dystrophy. Identifiers: Orphanet 280671, MedGen C1865233, MONDO:0011246, OMIM 602541.

Submission:

Labcorp Genetics (formerly Invitae), Labcorp
Classification: Likely pathogenic for Megaconial type congenital muscular dystrophy. Last evaluated: 2024-10-17. Review status: criteria provided, single submitter. Criteria: Invitae Variant Classification Sherloc (09022015). Collection method: clinical testing. Allele origin: germline.
Comment: This variant results in the deletion of part of exon 2 (c.225-1_225delinsTT) of the CHKB gene. It is expected to disrupt RNA splicing. Variants that disrupt the donor or acceptor splice site typically lead to a loss of protein function (PMID: 16199547), and loss-of-function variants in CHKB are known to be pathogenic (PMID: 21665002). Information on the frequency of this variant in the gnomAD database is not available, as this variant may be reported differently in the database. This variant has not been reported in the literature in individuals affected with CHKB-related conditions. In summary, the currently available evidence indicates that the variant is pathogenic, but additional data are needed to prove that conclusively. Therefore, this variant has been classified as Likely Pathogenic.

Literature cited by the submitters: PubMed 16199547; PubMed 21665002.

NM_005198.5(CHKB):c.225-1_225delinsTT

Genes: CHKB-CPT1B (CHKB-CPT1B readthrough (NMD candidate); minus strand), CHKB (choline kinase beta; minus strand), LOC130067882 (ATAC-STARR-seq lymphoblastoid silent region 14000; plus strand). Cytogenetic location: 22q13.33.
Variant type: Indel.
Coding change: c.225-1_225delinsTT on transcript NM_005198.5 (MANE Select); the canonical splice acceptor site of the intron before coding-DNA position 225 through coding-DNA position 225, GC replaced by TT.
Molecular consequence: splice acceptor variant.
Genome position (GRCh38, 1-based): chr22:50,582,357-50,582,358, GC replaced by AA on the plus strand (GC replaced by TT on the coding strand, the reverse complement: CHKB is on the minus strand). VCF-style: chr22-50582357-GC-AA. GRCh37 (hg19) VCF-style: chr22-51020786-GC-AA.
Identifiers: ClinVar variation 2975974 (VCV002975974.3), dbSNP rs2522789883, ClinGen allele CA2740092001.
Genomic context (GRCh38, chr22:50,582,357, plus strand): 5'-GCCAACGCTGGGCAGGTGGTCCGGGAGCGAGCAGCGGAAGAGCAGGTTGCTGAGGCCTCC[GC>AA]TGCAGACCCACACCAGGCGCGCTCAGCCCGCGGCCGGCCCTACCTGCCGCGGCCCCGGCC-3'